The following is an entry in ClinVar:

ClinVar aggregate classification (germline): Uncertain significance (1 of 4 stars; one submission).

Submission:

Women's Health and Genetics/Laboratory Corporation of America, LabCorp
Classification: Uncertain significance. Last evaluated: 2025-05-22. Review status: criteria provided, single submitter. Criteria: LabCorp Variant Classification Summary - May 2015. Collection method: clinical testing. Allele origin: germline.
Comment: Variant summary: SGCB c.356T>G (p.Ile119Ser) results in a non-conservative amino acid change in the encoded protein sequence. Algorithms developed to predict the effect of missense changes on protein structure and function all suggest that this variant is likely to be disruptive. The variant allele was found at a frequency of 4e-06 in 251468 control chromosomes. The available data on variant occurrences in the general population are insufficient to allow any conclusion about variant significance. To our knowledge, no occurrence of c.356T>G in individuals affected with Limb-Girdle Muscular Dystrophy, Autosomal Recessive and no experimental evidence demonstrating its impact on protein function have been reported. No submitters have cited clinical-significance assessments for this variant to ClinVar. Based on the evidence outlined above, the variant was classified as uncertain significance.

NM_000232.5(SGCB):c.356T>G (p.Ile119Ser)

Gene: SGCB (sarcoglycan beta; minus strand). Cytogenetic location: 4q12.
Variant type: single nucleotide variant.
Coding change: c.356T>G on transcript NM_000232.5 (MANE Select); coding-DNA position 356, T replaced by G.
Protein change: p.Ile119Ser; replaces isoleucine 119 with serine.
Molecular consequence: missense variant.
Genome position (GRCh38, 1-based): chr4:52,029,751, A>C on the plus strand (T>G on the coding strand, the complement: SGCB is on the minus strand). VCF-style: chr4-52029751-A-C. GRCh37 (hg19) VCF-style: chr4-52895917-A-C.
Other names: short protein forms I119S.
Identifiers: ClinVar variation 3902755 (VCV003902755.1).